The following is an entry in ClinVar:

ClinVar aggregate classification (germline): Likely pathogenic (1 of 4 stars; one submission).

Conditions:
Leukodystrophy, hypomyelinating, 6. Also called: LEUKODYSTROPHY, HYPOMYELINATING, WITH ATROPHY OF THE BASAL GANGLIA AND CEREBELLUM; TUBB4A-Associated Leukodystrophy; Hypomyelination with Atrophy of Basal Ganglia and Cerebellum (H-ABC). Identifiers: Orphanet 139441, MedGen C2676244, MONDO:0012905, OMIM 612438.

Submission:

Molecular Diagnostics Lab, Nemours Children's Health, Delaware
Classification: Likely pathogenic for Leukodystrophy, hypomyelinating, 6. Last evaluated: 2020-12-28. Review status: criteria provided, single submitter. Criteria: ACMG Guidelines, 2015. Collection method: clinical testing. Allele origin: unknown. Inheritance: Autosomal dominant inheritance. Affected: yes. Observed: 1 homozygote.
Comment: This missense variant (c.1052C>T, p.Thr351Met) has not been observed in population databases (gnomAD) and has not been reported in the literature. Variant predication programs suggest a deleterious effect, but no functional studies have been published.

NM_006087.4(TUBB4A):c.1052C>T (p.Thr351Met)

Gene: TUBB4A (tubulin beta 4A class IVa; minus strand). Cytogenetic location: 19p13.3.
Variant type: single nucleotide variant.
Coding change: c.1052C>T on transcript NM_006087.4 (MANE Select); coding-DNA position 1052, C replaced by T.
Protein change: p.Thr351Met; replaces threonine 351 with methionine.
Molecular consequence: missense variant.
Genome position (GRCh38, 1-based): chr19:6,495,447, G>A on the plus strand (C>T on the coding strand, the complement: TUBB4A is on the minus strand). VCF-style: chr19-6495447-G-A. GRCh37 (hg19) VCF-style: chr19-6495458-G-A.
Other names: c.1205C>T, p.Thr402Met (NM_001289123.2); c.1187C>T, p.Thr396Met (NM_001289127.2); c.1052C>T, p.Thr351Met (NM_001289129.2); c.836C>T, p.Thr279Met (NM_001289130.2, NM_001289131.2); short protein forms T279M, T351M, T396M, T402M.
Identifiers: ClinVar variation 3336788 (VCV003336788.2).
Genomic context (GRCh38, chr19:6,495,447, plus strand): 5'-CTGTTGCCGATGAAGGTCGCGGCCATCTTCAGGCCGCGGGGCGGGATGTCGCACACGGCC[G>A]TCTTCACGTTGTTGGGGATCCACTCCACGAAGTAGCTGCTGTTCTTGCTCTGCACGCTCA-3'
Protein context (NP_006078.2, residues 341-361): FVEWIPNNVK[Thr351Met]AVCDIPPRGL